The following is an entry in ClinVar:

NM_000059.4(BRCA2):c.1211A>G (p.Asn404Ser)

Gene: BRCA2 (BRCA2 DNA repair associated; plus strand). Cytogenetic location: 13q13.1.
Variant type: single nucleotide variant.
Coding change: c.1211A>G on transcript NM_000059.4 (MANE Select); coding-DNA position 1211, A replaced by G.
Protein change: p.Asn404Ser; replaces asparagine 404 with serine.
Molecular consequence: missense variant.
Genome position (GRCh38, 1-based): chr13:32,332,689, A>G. VCF-style: chr13-32332689-A-G. GRCh37 (hg19) VCF-style: chr13-32906826-A-G.
Other names: short protein forms N404S.
Identifiers: ClinVar variation 224455 (VCV000224455.24), dbSNP rs80358414, ClinGen allele CA10575907.

ClinVar aggregate classification (germline): Conflicting classifications of pathogenicity. Review status: criteria provided, conflicting classifications (1 of 4 stars). 9 submissions from 9 submitters: Uncertain significance (8); Likely benign (1). Last evaluated 2025-12-13.

Conditions:
Hereditary cancer-predisposing syndrome. Also called: Tumor predisposition; Hereditary neoplastic syndrome; Neoplastic Syndromes, Hereditary; Hereditary Cancer Syndrome. Identifiers: Orphanet 140162, MedGen C0027672, MeSH D009386, MONDO:0015356.
Breast neoplasm. Also called: Neoplasm of breast; Breast tumor; Neoplasm of the breast; Breast Neoplasms. Identifiers: MedGen C1458155, MeSH D001943, MONDO:0021100, HP:0100013. Disease mechanism: gain of function.
BRCA2-related disorder. Also called: BRCA2-related condition; BRCA2-related disorders. Identifiers: MedGen CN239275.
Hereditary breast ovarian cancer syndrome. Also called: Hereditary breast and ovarian cancer; BRCA1- and BRCA2-Associated Hereditary Breast and Ovarian Cancer; Hereditary breast and/or ovarian cancer syndrome; Hereditary breast and ovarian cancer syndrome; Hereditary breast and ovarian cancer syndrome (HBOC); Breast and ovarian cancer. Identifiers: Orphanet 145, MedGen C0677776, MeSH D061325, MONDO:0003582. Disease mechanism: loss of function.
Breast-ovarian cancer, familial, susceptibility to, 2 (BROVCA2). Also called: BRCA2 Hereditary Breast and Ovarian Cancer. Identifiers: Orphanet 145, MedGen C2675520, MONDO:0012933, OMIM 612555. Disease mechanism: loss of function.

Allele frequency attached by ClinVar (database versions not stated): gnomAD exomes below 0.00001.
gnomAD v4.1: 2 of 1,613,914 alleles (0.00012%); highest among the groups gnomAD compares: East Asian, 0.0045%; no homozygotes.

Submissions (9):

Labcorp Genetics (formerly Invitae), Labcorp
Classification: Uncertain significance for Hereditary breast ovarian cancer syndrome. Last evaluated: 2025-12-13. Review status: criteria provided, single submitter. Criteria: Invitae Variant Classification Sherloc (09022015). Collection method: clinical testing. Allele origin: germline.
Comment: This sequence change replaces asparagine, which is neutral and polar, with serine, which is neutral and polar, at codon 404 of the BRCA2 protein (p.Asn404Ser). This variant is not present in population databases (gnomAD no frequency). This missense change has been observed in individual(s) with breast cancer or acute pancreatitis (PMID: 27257965, 35171259, 35264596). ClinVar contains an entry for this variant (Variation ID: 224455). Invitae Evidence Modeling of protein sequence and biophysical properties (such as structural, functional, and spatial information, amino acid conservation, physicochemical variation, residue mobility, and thermodynamic stability) indicates that this missense variant is not expected to disrupt BRCA2 protein function with a negative predictive value of 95%. In summary, the available evidence is currently insufficient to determine the role of this variant in disease. Therefore, it has been classified as a Variant of Uncertain Significance.

All of Us Research Program, National Institutes of Health
Classification: Uncertain significance for Breast-ovarian cancer, familial, susceptibility to, 2. Last evaluated: 2023-03-28. Review status: criteria provided, single submitter. Criteria: ACMG Guidelines, 2015. Collection method: clinical testing. Allele origin: germline. Inheritance: Autosomal dominant inheritance. Observed: 1 variant allele, 1 heterozygote.
Comment: This missense variant replaces asparagine with serine at codon 404 of the BRCA2 protein. Computational prediction suggests that this variant may not impact protein structure and function (internally defined REVEL score threshold <= 0.5, PMID: 27666373). To our knowledge, functional studies have not been reported for this variant. This variant has been detected in two individuals affected with breast cancer (PMID: 27257965). This variant has not been identified in the general population by the Genome Aggregation Database (gnomAD). The available evidence is insufficient to determine the role of this variant in disease conclusively. Therefore, this variant is classified as a Variant of Uncertain Significance.

This study involves interpretation of variants in research participants for the purpose of population health screening. Participant phenotype was not available at the time of variant classification. Additional details can be found in publication PMID: 35346344, PMCID: PMC8962531

University of Washington Department of Laboratory Medicine, University of Washington
Classification: Likely benign for Hereditary cancer-predisposing syndrome. Last evaluated: 2023-03-23. Review status: criteria provided, single submitter. Criteria: Dines et al. (Genet Med. 2020). Collection method: curation. Allele origin: germline.
Comment: Missense variant in a coldspot region where missense variants are very unlikely to be pathogenic (PMID:31911673).

BRCA2 exon 10 coldspot. Reclassification based on statistical prior probability.

PreventionGenetics, part of Exact Sciences
Classification: Uncertain significance for BRCA2-related condition. Last evaluated: 2022-11-20. Review status: criteria provided, single submitter. Criteria: ACMG Guidelines, 2015. Collection method: clinical testing. Allele origin: germline.
Comment: The BRCA2 c.1211A>G variant is predicted to result in the amino acid substitution p.Asn404Ser. This variant has been reported as a variant of uncertain significance in multiple individuals with breast and/or ovarian cancer (Table S5 - Bhaskaran et al. 2019. PubMed ID: 30702160; Table S1 - Gao et al. 2019. PubMed ID: 31825140). This variant has not been reported in a large population database, indicating this variant is rare. In ClinVar, this variant has been interpreted as uncertain. At this time, the clinical significance of this variant is uncertain due to the absence of conclusive functional and genetic evidence.

Color Diagnostics, LLC DBA Color Health
Classification: Uncertain significance for Hereditary cancer-predisposing syndrome. Last evaluated: 2022-08-15. Review status: criteria provided, single submitter. Criteria: ACMG Guidelines, 2015. Collection method: clinical testing. Allele origin: germline.
Comment: This missense variant replaces asparagine with serine at codon 404 of the BRCA2 protein. Computational prediction suggests that this variant may not impact protein structure and function (internally defined REVEL score threshold <= 0.5, PMID: 27666373). To our knowledge, functional studies have not been reported for this variant. This variant has been detected in two individuals affected with breast cancer (PMID: 27257965). This variant has not been identified in the general population by the Genome Aggregation Database (gnomAD). The available evidence is insufficient to determine the role of this variant in disease conclusively. Therefore, this variant is classified as a Variant of Uncertain Significance.

Ambry Genetics
Classification: Uncertain significance for Hereditary cancer-predisposing syndrome. Last evaluated: 2021-05-13. Review status: criteria provided, single submitter. Criteria: Ambry Variant Classification Scheme 2023. Collection method: clinical testing. Allele origin: germline.
Comment: The p.N404S variant (also known as c.1211A>G), located in coding exon 9 of the BRCA2 gene, results from an A to G substitution at nucleotide position 1211. The asparagine at codon 404 is replaced by serine, an amino acid with highly similar properties. This alteration was identified in 2/507 unselected Chinese breast cancer patients (Zhong X et al. PLoS One, 2016 Jun;11:e0156789). This amino acid position is not well conserved in available vertebrate species. In addition, this alteration is predicted to be tolerated by in silico analysis. Since supporting evidence is limited at this time, the clinical significance of this alteration remains unclear.

Mendelics
Classification: Uncertain significance for Breast-ovarian cancer, familial, susceptibility to, 2. Last evaluated: 2019-05-28. Review status: criteria provided, single submitter. Criteria: Mendelics Assertion Criteria 2017. Collection method: clinical testing. Allele origin: unknown.

Women's Health and Genetics/Laboratory Corporation of America, LabCorp
Classification: Uncertain significance. Last evaluated: 2017-05-26. Review status: criteria provided, single submitter. Criteria: LabCorp Variant Classification Summary - May 2015. Collection method: clinical testing. Allele origin: germline.
Comment: Variant summary: The BRCA2 c.1211A>G (p.Asn404Ser) variant involves the alteration of a conserved nucleotide. 4/5 in silico tools predict a benign outcome for this variant. This variant is absent in 120776 control chromosomes. This variant has been detected twice in a cohort of 507 Chinese breast cancer patients without strong evidence for causality. In addition, multiple clinical diagnostic laboratories/reputable databases classified this variant as uncertain significance. Taken together, due to lack of clinical and functional evidence, this variant is currently classified as VUS.

Laboratory of Molecular Diagnosis of Cancer, West China Hospital, Sichuan University
Classification: Uncertain significance for Breast neoplasm. Last evaluated: 2015-11-01. Review status: criteria provided, single submitter. Criteria: ACMG Guidelines, 2015. Collection method: research. Allele origin: germline. Affected: yes. Observed: 2 variant alleles.

Literature cited by the submitters: PubMed 27257965 (cited by 6 submitters); PubMed 35171259 (cited by Labcorp Genetics (formerly Invitae), Labcorp); PubMed 35264596 (cited by Labcorp Genetics (formerly Invitae), Labcorp).